The following is an entry in ClinVar:

ClinVar aggregate classification (germline): Uncertain significance (1 of 4 stars; one submission).

Conditions:
Malignant hyperthermia, susceptibility to, 1 (MHS1). Also called: Anesthesia related hyperthermia; Malignant hyperpyrexia; Fulminating hyperpyrexia; Pharmacogenic myopathy; RYR1-Related Malignant Hyperthermia Susceptibility; Malignant hyperthermia suceptibility 1. Identifiers: Orphanet 423, MedGen C2930980, MONDO:0007783, OMIM 145600.

Submission:

All of Us Research Program, National Institutes of Health
Classification: Uncertain significance for Malignant hyperthermia, susceptibility to, 1. Last evaluated: 2023-05-16. Review status: criteria provided, single submitter. Criteria: ACMG Guidelines, 2015. Collection method: clinical testing. Allele origin: germline. Inheritance: Autosomal dominant inheritance. Observed: 1 variant allele, 1 heterozygote.
Comment: This missense variant replaces glutamine with arginine at codon 3209 of the RYR1 protein. Computational prediction suggests that this variant may not impact protein structure and function (internally defined REVEL score threshold <= 0.5, PMID: 27666373). To our knowledge, functional studies have not been reported for this variant. This variant has not been reported in individuals affected with RYR1-related disorders in the literature. This variant has not been identified in the general population by the Genome Aggregation Database (gnomAD). The available evidence is insufficient to determine the role of this variant in disease conclusively. Therefore, this variant is classified as a Variant of Uncertain Significance.

This study involves interpretation of variants in research participants for the purpose of population health screening. Participant phenotype was not available at the time of variant classification. Additional details can be found in publication PMID: 35346344, PMCID: PMC8962531

NM_000540.3(RYR1):c.9626A>G (p.Gln3209Arg)

Gene: RYR1 (ryanodine receptor 1; plus strand). Cytogenetic location: 19q13.2.
Variant type: single nucleotide variant.
Coding change: c.9626A>G on transcript NM_000540.3 (MANE Select); coding-DNA position 9626, A replaced by G.
Protein change: p.Gln3209Arg; replaces glutamine 3209 with arginine.
Molecular consequence: missense variant.
Genome position (GRCh38, 1-based): chr19:38,516,158, A>G. VCF-style: chr19-38516158-A-G. GRCh37 (hg19) VCF-style: chr19-39006798-A-G.
Other names: c.9626A>G, p.Gln3209Arg (NM_001042723.2); short protein forms Q3209R.
Identifiers: ClinVar variation 3071238 (VCV003071238.1), dbSNP rs2514425984, ClinGen allele CA405690420.